The following is an entry in ClinVar:

ClinVar aggregate classification (germline): Likely pathogenic (1 of 4 stars; one submission).

Conditions:
Familial infantile myasthenia (CMS6). Also called: MYASTHENIC SYNDROME, PRESYNAPTIC, CONGENITAL, ASSOCIATED WITH EPISODIC APNEA; Congenital myasthenic syndrome type 6; MYASTHENIC SYNDROME, CONGENITAL, 6, PRESYNAPTIC. Identifiers: Orphanet 590, MedGen C0393929, MONDO:0009689, OMIM 254210.

Allele frequency attached by ClinVar (database versions not stated): TOPMed below 0.00001.

Submission:

Labcorp Genetics (formerly Invitae), Labcorp
Classification: Likely pathogenic for Familial infantile myasthenia. Last evaluated: 2025-08-15. Review status: criteria provided, single submitter. Criteria: Invitae Variant Classification Sherloc (09022015). Collection method: clinical testing. Allele origin: germline.
Comment: This sequence change affects a donor splice site in intron 4 of the CHAT gene. It is expected to disrupt RNA splicing. Variants that disrupt the donor or acceptor splice site typically lead to a loss of protein function (PMID: 16199547), and loss-of-function variants in CHAT are known to be pathogenic (PMID: 12548525, 21786365, 23292760). This variant is not present in population databases (gnomAD no frequency). This variant has not been reported in the literature in individuals affected with CHAT-related conditions. ClinVar contains an entry for this variant (Variation ID: 2417945). Algorithms developed to predict the effect of sequence changes on RNA splicing suggest that this variant may disrupt the consensus splice site. In summary, the currently available evidence indicates that the variant is pathogenic, but additional data are needed to prove that conclusively. Therefore, this variant has been classified as Likely Pathogenic.

Literature cited by the submitters: PubMed 16199547; PubMed 12548525; PubMed 21786365; PubMed 23292760.

NM_020549.5(CHAT):c.698+1G>A

Gene: CHAT (choline O-acetyltransferase; plus strand). Cytogenetic location: 10q11.23.
Variant type: single nucleotide variant.
Coding change: c.698+1G>A on transcript NM_020549.5 (MANE Select); the canonical splice donor site of the intron after coding-DNA position 698, G replaced by A.
Molecular consequence: splice donor variant.
Genome position (GRCh38, 1-based): chr10:49,620,614, G>A. VCF-style: chr10-49620614-G-A. GRCh37 (hg19) VCF-style: chr10-50828660-G-A.
Other names: c.344+1G>A (NM_020984.4, NM_020985.4, NM_020986.4 and 2 more transcripts); c.452+1G>A (NM_001142933.2).
Identifiers: ClinVar variation 2417945 (VCV002417945.5), dbSNP rs148434254, ClinGen allele CA376727842.